The following is an entry in ClinVar:

NM_003334.4(UBA1):c.3127G>A (p.Glu1043Lys)

Gene: UBA1 (ubiquitin like modifier activating enzyme 1; plus strand). Cytogenetic location: Xp11.3.
Variant type: single nucleotide variant.
Coding change: c.3127G>A on transcript NM_003334.4 (MANE Select); coding-DNA position 3127, G replaced by A.
Protein change: p.Glu1043Lys; replaces glutamic acid 1043 with lysine.
Molecular consequence: missense variant.
Genome position (GRCh38, 1-based): chrX:47,214,879, G>A. VCF-style: chrX-47214879-G-A. GRCh37 (hg19) VCF-style: chrX-47074278-G-A.
Other names: c.3127G>A, p.Glu1043Lys (NM_153280.3); short protein forms E1043K.
Identifiers: ClinVar variation 639393 (VCV000639393.8), dbSNP rs782810802, ClinGen allele CA10396274.
Genomic context (GRCh38, chrX:47,214,879, plus strand): 5'-TCGAAGCGAAAGCTGGGCCGCCACGTGCGGGCGCTGGTGCTTGAGCTGTGCTGTAACGAC[G>A]AGAGCGGCGAGGATGTCGAGGTTCCCTATGTCCGATACACCATCCGCTGACCCCGTCTGC-3'
Protein context (NP_003325.2, residues 1033-1053): ALVLELCCND[Glu1043Lys]SGEDVEVPYV

ClinVar aggregate classification (germline): Uncertain significance (1 of 4 stars; one submission).

Conditions:
Infantile-onset X-linked spinal muscular atrophy. Also called: AMC, DISTAL, X-LINKED; ARTHROGRYPOSIS, X-LINKED, TYPE I; SPINAL MUSCULAR ATROPHY, X-LINKED LETHAL INFANTILE; Spinal muscular atrophy, X-linked 2; Spinal Muscular Atrophy, X-Linked Infantile. Identifiers: Orphanet 1145, MedGen C1844934, MONDO:0010532, OMIM 301830.

Allele frequency attached by ClinVar (database versions not stated): TOPMed below 0.00001; ExAC 0.00001; gnomAD 0.00001; gnomAD exomes 0.00001 and 0.00002.
gnomAD v4.1: 20 of 1,210,136 alleles (0.0017%); highest among the groups gnomAD compares: East Asian, 0.003%; no homozygotes.

Submission:

Labcorp Genetics (formerly Invitae), Labcorp
Classification: Uncertain significance for Infantile-onset X-linked spinal muscular atrophy. Last evaluated: 2023-07-19. Review status: criteria provided, single submitter. Criteria: Invitae Variant Classification Sherloc (09022015). Collection method: clinical testing. Allele origin: germline.
Comment: The frequency data for this variant in the population databases is considered unreliable, as metrics indicate poor data quality at this position in the gnomAD database. In summary, the available evidence is currently insufficient to determine the role of this variant in disease. Therefore, it has been classified as a Variant of Uncertain Significance. An algorithm developed to predict the effect of missense changes on protein structure and function (PolyPhen-2) suggests that this variant is likely to be tolerated. ClinVar contains an entry for this variant (Variation ID: 639393). This variant has not been reported in the literature in individuals affected with UBA1-related conditions. This sequence change replaces glutamic acid, which is acidic and polar, with lysine, which is basic and polar, at codon 1043 of the UBA1 protein (p.Glu1043Lys).